The following is an entry in ClinVar:

ClinVar aggregate classification (germline): Likely benign. Review status: criteria provided, multiple submitters, no conflicts (2 of 4 stars). 4 submissions from 4 submitters: Likely benign (4). Last evaluated 2025-09-01.

Conditions:
Hyperglycinuria. Also called: GLYCINURIA WITH OR WITHOUT OXALATE NEPHROLITHIASIS; GLYCINURIA WITH OR WITHOUT OXALATE UROLITHIASIS; IMINOGLYCINURIA TYPE II. Identifiers: MedGen C0543541, MONDO:0007677, OMIM 138500, HP:0003108.

Allele frequency attached by ClinVar (database versions not stated): 1000 Genomes Project 30x 0.00312; 1000 Genomes Project 0.00359; TOPMed 0.00639; gnomAD 0.00691 and 0.00712; gnomAD exomes 0.00724 and 0.00795; ESP Exome Variant Server 0.00746; ExAC 0.00754.
gnomAD v4.1: 12,743 of 1,614,118 alleles (0.79%); highest among the groups gnomAD compares: Middle Eastern, 0.89%; 65 homozygotes.

Submissions (4):

CeGaT Center for Human Genetics Tuebingen
Classification: Likely benign. Last evaluated: 2025-09-01. Review status: criteria provided, single submitter. Criteria: CeGaT Center For Human Genetics Tuebingen Variant Classification Criteria Version 2. Collection method: clinical testing. Allele origin: germline. Affected: yes. Observed: 4 variant alleles.
Comment: SLC6A20: BS2

Genomic Medicine Center of Excellence, King Faisal Specialist Hospital and Research Centre
Classification: Likely benign. Last evaluated: 2025-08-18. Review status: criteria provided, single submitter. Criteria: ACMG Guidelines, 2015. Collection method: clinical testing. Allele origin: germline.

Illumina Laboratory Services, Illumina
Classification: Likely benign for Hyperglycinuria. Last evaluated: 2018-01-12. Review status: criteria provided, single submitter. Criteria: ICSL Variant Classification Criteria 13 December 2019. Collection method: clinical testing. Allele origin: germline.
Comment: This variant was observed in the ICSL laboratory as part of a predisposition screen in an ostensibly healthy population. It had not been previously curated by ICSL or reported in the Human Gene Mutation Database (HGMD: prior to June 1st, 2018), and was therefore a candidate for classification through an automated scoring system. Utilizing variant allele frequency, disease prevalence and penetrance estimates, and inheritance mode, an automated score was calculated to assess if this variant is too frequent to cause the disease. Based on the score and internal cut-off values, a variant classified as likely benign is not then subjected to further curation. The score for this variant resulted in a classification of likely benign for this disease.

Breakthrough Genomics
Classification: Likely benign. Review status: criteria provided, single submitter. Criteria: ACMG Guidelines, 2015. Collection method: not provided. Allele origin: germline. Inheritance: Autosomal recessive inheritance. Affected: yes.

NM_020208.4(SLC6A20):c.1585A>G (p.Ile529Val)

Gene: SLC6A20 (solute carrier family 6 member 20; minus strand). Cytogenetic location: 3p21.31.
Variant type: single nucleotide variant.
Coding change: c.1585A>G on transcript NM_020208.4 (MANE Select); coding-DNA position 1585, A replaced by G.
Protein change: p.Ile529Val; replaces isoleucine 529 with valine.
Molecular consequence: missense variant.
Genome position (GRCh38, 1-based): chr3:45,759,901, T>C on the plus strand (A>G on the coding strand, the complement: SLC6A20 is on the minus strand). VCF-style: chr3-45759901-T-C. GRCh37 (hg19) VCF-style: chr3-45801393-T-C.
Other names: c.1474A>G, p.Ile492Val (NM_022405.4); short protein forms I492V, I529V.
Identifiers: ClinVar variation 903324 (VCV000903324.30), dbSNP rs61731475, ClinGen allele CA2351263.